The following is an entry in ClinVar:

ClinVar aggregate classification (germline): Uncertain significance. Review status: criteria provided, multiple submitters, no conflicts (2 of 4 stars). 3 submissions from 3 submitters: Uncertain significance (3). Last evaluated 2022-02-06.

Conditions:
Charcot-Marie-Tooth disease axonal type 2P. Also called: Charcot-Marie-Tooth Neuropathy Type 2G; CHARCOT-MARIE-TOOTH NEUROPATHY, TYPE 2P; CHARCOT-MARIE-TOOTH DISEASE, AXONAL, TYPE 2G; CMT 2G. Identifiers: Orphanet 300319, Orphanet 99941, MedGen C3280797, MONDO:0013753, OMIM 614436.
Inborn genetic diseases. Identifiers: MedGen C0950123, MeSH D030342.
Charcot-Marie-Tooth disease. Also called: Charcot-Marie-Tooth Hereditary Neuropathy; Charcot-Marie-Tooth Neuropathy. Identifiers: Orphanet 166, MedGen C0007959, MONDO:0015626.

Allele frequency attached by ClinVar (database versions not stated): gnomAD exomes below 0.00001 and 0.00001; gnomAD 0.00001.
gnomAD v4.1: 14 of 1,607,120 alleles (0.00087%); highest among the groups gnomAD compares: African/African-American, 0.0013%; no homozygotes.

Submissions (3):

Labcorp Genetics (formerly Invitae), Labcorp
Classification: Uncertain significance for Charcot-Marie-Tooth disease axonal type 2P. Last evaluated: 2022-02-06. Review status: criteria provided, single submitter. Criteria: Invitae Variant Classification Sherloc (09022015). Collection method: clinical testing. Allele origin: germline.
Comment: This sequence change replaces serine, which is neutral and polar, with arginine, which is basic and polar, at codon 473 of the LRSAM1 protein (p.Ser473Arg). The frequency data for this variant in the population databases is considered unreliable, as metrics indicate poor data quality at this position in the gnomAD database. This missense change has been observed in individual(s) with clinical features of Charcot-Marie-Tooth disease (PMID: 32376792). ClinVar contains an entry for this variant (Variation ID: 917123). Algorithms developed to predict the effect of missense changes on protein structure and function (SIFT, PolyPhen-2, Align-GVGD) all suggest that this variant is likely to be tolerated. In summary, the available evidence is currently insufficient to determine the role of this variant in disease. Therefore, it has been classified as a Variant of Uncertain Significance.

Ambry Genetics
Classification: Uncertain significance for Inborn genetic diseases. Last evaluated: 2021-02-24. Review status: criteria provided, single submitter. Criteria: Ambry Variant Classification Scheme 2023. Collection method: clinical testing. Allele origin: germline.
Comment: The p.S473R variant (also known as c.1419C>A), located in coding exon 17 of the LRSAM1 gene, results from a C to A substitution at nucleotide position 1419. The serine at codon 473 is replaced by arginine, an amino acid with dissimilar properties. This amino acid position is poorly conserved in available vertebrate species. In addition, this alteration is predicted to be tolerated by in silico analysis. Since supporting evidence is limited at this time, the clinical significance of this alteration remains unclear.

Molecular Genetics Laboratory, London Health Sciences Centre
Classification: Uncertain significance for Charcot-Marie-Tooth disease. Review status: criteria provided, single submitter. Criteria: ACMG Guidelines, 2015. Collection method: clinical testing. Allele origin: germline. Affected: yes.

Literature cited by the submitters: PubMed 32376792 (cited by Labcorp Genetics (formerly Invitae), Labcorp).

NM_001005373.4(LRSAM1):c.1419C>A (p.Ser473Arg)

Gene: LRSAM1 (leucine rich repeat and sterile alpha motif containing 1; plus strand). Cytogenetic location: 9q33.3.
Variant type: single nucleotide variant.
Coding change: c.1419C>A on transcript NM_001005373.4 (MANE Select); coding-DNA position 1419, C replaced by A.
Protein change: p.Ser473Arg; replaces serine 473 with arginine.
Molecular consequence: missense variant. On other transcripts: non-coding transcript variant (2).
Genome position (GRCh38, 1-based): chr9:127,489,515, C>A. VCF-style: chr9-127489515-C-A. GRCh37 (hg19) VCF-style: chr9-130251794-C-A.
Other names: c.1419C>A (NM_138361.4); c.1419C>A, p.Ser473Arg (NM_001005374.4, NM_001190723.3, NM_001384142.1 and 2 more transcripts); c.630C>A, p.Ser210Arg (NM_001384144.1); short protein forms S473R, S210R.
Identifiers: ClinVar variation 917123 (VCV000917123.8), dbSNP rs1345645228, ClinGen allele CA374933369.
Genomic context (GRCh38, chr9:127,489,515, plus strand): 5'-GAAGGCTGCGTTCGAGGCACTCCAGGTGAAGAAAGACCTGATGCATCGGCAGATCAGGAG[C>A]CAGGTGAGCGCTGGGGCTGGGGTCCCTGGACCTGCTCTCTCAGAGACTTGCAGAGTGGCC-3'
Protein context (NP_001005373.1, residues 463-483): KKDLMHRQIR[Ser473Arg]QIKLIETELL